The following is an entry in ClinVar:

NM_001006630.2(CHRM2):c.874_882del (p.Val292_Ser294del)

Genes: CHRM2 (cholinergic receptor muscarinic 2; plus strand), LOC349160 (uncharacterized LOC349160; minus strand). Cytogenetic location: 7q33.
Variant type: Deletion.
Coding change: c.874_882del on transcript NM_001006630.2 (MANE Select); coding-DNA positions 874 to 882, 9 bases deleted (GTTGCCTCT; older notation c.874_882delGTTGCCTCT).
Protein change: p.Val292_Ser294del.
Molecular consequence: inframe deletion.
Genome position (GRCh38, 1-based): chr7:137,015,739-137,015,747, GTTGCCTCT deleted; deleting any 9 consecutive bases within chr7:137,015,737-137,015,747 gives the same sequence; the c. name uses the placement nearest the transcript's 3' end. VCF-style (leftmost placement, unchanged base first): chr7-137015736-GCTGTTGCCT-G. GRCh37 (hg19) VCF-style: chr7-136700483-GCTGTTGCCT-G.
Other names: c.874_882del (NM_000739.2); c.874_882delGTTGCCTCT (NM_000739.2); c.874_882del, p.Val292_Ser294del (NM_000739.3, NM_001006626.3, NM_001006627.3 and 6 more transcripts).
Identifiers: ClinVar variation 453181 (VCV000453181.10), dbSNP rs1454380573, ClinGen allele CA458163956.

ClinVar aggregate classification (germline): Uncertain significance. Review status: criteria provided, multiple submitters, no conflicts (2 of 4 stars). 2 submissions from 2 submitters: Uncertain significance (2). Last evaluated 2025-10-06.

Submissions (2):

GeneDx
Classification: Uncertain significance. Last evaluated: 2025-10-06. Review status: criteria provided, single submitter. Criteria: GeneDx Variant Classification Process June 2021. Collection method: clinical testing. Allele origin: germline. Affected: yes.
Comment: Has not been previously published as pathogenic or benign to our knowledge; In silico analysis supports a deleterious effect on protein structure/function; In-frame deletion of 3 amino acid(s) in a non-repeat region; Variants in candidate genes are classified as variants of uncertain significance in accordance with ACMG guidelines (PMID: 25741868)

Labcorp Genetics (formerly Invitae), Labcorp
Classification: Uncertain significance. Last evaluated: 2022-06-27. Review status: criteria provided, single submitter. Criteria: Invitae Variant Classification Sherloc (09022015). Collection method: clinical testing. Allele origin: germline.
Comment: In summary, the available evidence is currently insufficient to determine the role of this variant in disease. Therefore, it has been classified as a Variant of Uncertain Significance. Experimental studies and prediction algorithms are not available or were not evaluated, and the functional significance of this variant is currently unknown. ClinVar contains an entry for this variant (Variation ID: 453181). This variant has not been reported in the literature in individuals affected with CHRM2-related conditions. The frequency data for this variant in the population databases is considered unreliable, as metrics indicate poor data quality at this position in the gnomAD database. This variant, c.874_882del, results in the deletion of 3 amino acid(s) of the CHRM2 protein (p.Val292_Ser294del), but otherwise preserves the integrity of the reading frame.